The following is an entry in ClinVar:

NM_005035.4(POLRMT):c.141G>T (p.Gln47His)

Gene: POLRMT (RNA polymerase mitochondrial; minus strand). Cytogenetic location: 19p13.3.
Variant type: single nucleotide variant.
Coding change: c.141G>T on transcript NM_005035.4 (MANE Select); coding-DNA position 141, G replaced by T.
Protein change: p.Gln47His; replaces glutamine 47 with histidine.
Molecular consequence: missense variant.
Genome position (GRCh38, 1-based): chr19:632,886, C>A on the plus strand (G>T on the coding strand, the complement: POLRMT is on the minus strand). VCF-style: chr19-632886-C-A. GRCh37 (hg19) VCF-style: chr19-632886-C-A.
Other names: short protein forms Q47H.
Identifiers: ClinVar variation 778151 (VCV000778151.11), dbSNP rs150947088, ClinGen allele CA9020851.

ClinVar aggregate classification (germline): Likely benign. Review status: criteria provided, multiple submitters, no conflicts (2 of 4 stars). 4 submissions from 4 submitters: Likely benign (3). 1 of the submissions does not count toward it. Last evaluated 2025-10-01.

Conditions:
POLRMT-related disorder. Also called: POLRMT-related condition.

Allele frequency attached by ClinVar (database versions not stated): 1000 Genomes Project 0.00040; 1000 Genomes Project 30x 0.00078; gnomAD exomes 0.00079 and 0.00125; TOPMed 0.00086; ESP Exome Variant Server 0.00156; gnomAD 0.00198; ExAC 0.00242.
gnomAD v4.1: 1,910 of 1,548,428 alleles (0.12%); highest among the groups gnomAD compares: Middle Eastern, 0.2%; 3 homozygotes.

Submissions (4):

CeGaT Center for Human Genetics Tuebingen
Classification: Likely benign. Last evaluated: 2025-10-01. Review status: criteria provided, single submitter. Criteria: CeGaT Center For Human Genetics Tuebingen Variant Classification Criteria Version 2. Collection method: clinical testing. Allele origin: germline. Affected: yes. Observed: 1 variant allele.
Comment: POLRMT: BP4

Laboratory of Genetics, Children's Clinical University Hospital Latvia
Classification: Likely benign. Last evaluated: 2025-02-16. Review status: criteria provided, single submitter. Criteria: ACMG Guidelines, 2015. Collection method: clinical testing. Allele origin: germline. Affected: yes.

Labcorp Genetics (formerly Invitae), Labcorp
Classification: Likely benign. Last evaluated: 2018-04-09. Review status: criteria provided, single submitter. Criteria: Invitae Variant Classification Sherloc (09022015). Collection method: clinical testing. Allele origin: germline.

PreventionGenetics, part of Exact Sciences
Classification: Likely benign for POLRMT-related condition. Last evaluated: 2024-06-21. Review status: no assertion criteria provided. Collection method: clinical testing. Allele origin: germline. Not counted in ClinVar's aggregate classification.
Comment: This variant is classified as likely benign based on ACMG/AMP sequence variant interpretation guidelines (Richards et al. 2015 PMID: 25741868, with internal and published modifications).